The following is an entry in ClinVar:

NM_004208.4(AIFM1):c.398C>T (p.Pro133Leu)

Genes: AIFM1 (apoptosis inducing factor mitochondria associated 1; minus strand), RAB33A (RAB33A, member RAS oncogene family; plus strand). Cytogenetic location: Xq26.1.
Variant type: single nucleotide variant.
Coding change: c.398C>T on transcript NM_004208.4 (MANE Select); coding-DNA position 398, C replaced by T.
Protein change: p.Pro133Leu; replaces proline 133 with leucine.
Molecular consequence: missense variant. On other transcripts: non-coding transcript variant (1).
Genome position (GRCh38, 1-based): chrX:130,147,828, G>A on the plus strand (C>T on the coding strand, the complement: AIFM1 is on the minus strand). VCF-style: chrX-130147828-G-A. GRCh37 (hg19) VCF-style: chrX-129281803-G-A.
Other names: c.398C>T, p.Pro133Leu (NM_001130847.4); c.386C>T, p.Pro129Leu (NM_145812.3); short protein forms P129L, P133L.
Identifiers: ClinVar variation 4291996 (VCV004291996.1).

ClinVar aggregate classification (germline): Uncertain significance (1 of 4 stars; one submission).

Conditions:
Charcot-Marie-Tooth disease X-linked recessive 4 (CMTX4). Also called: CHARCOT-MARIE-TOOTH DISEASE, X-LINKED RECESSIVE, 4, WITH OR WITHOUT CEREBELLAR ATAXIA; CHARCOT-MARIE-TOOTH DISEASE WITH DEAFNESS AND MENTAL RETARDATION; Cowchock syndrome. Identifiers: Orphanet 101078, MedGen C0795910, MONDO:0010689, OMIM 310490.

gnomAD v4.1: 1 of 1,211,953 alleles (0.000083%); highest among the groups gnomAD compares: Non-Finnish European, 0.00011%; no homozygotes.

Submission:

3billion
Classification: Uncertain significance for Charcot-Marie-Tooth disease X-linked recessive 4. Last evaluated: 2024-07-22. Review status: criteria provided, single submitter. Criteria: ACMG Guidelines, 2015. Collection method: clinical testing. Allele origin: germline. Affected: yes.
Comment: The variant is observed at an extremely low frequency in the gnomAD v4.0.0 dataset (total allele frequency: <0.001%). Predicted Consequence/Location: Missense changes are a common disease-causing mechanism. In silico tool predictions suggest damaging effect of the variant on gene or gene product [REVEL: 0.81 (>=0.6, sensitivity 0.68 and specificity 0.92)]. Therefore, this variant is classified as VUS according to the recommendation of ACMG/AMP guideline.